The following is an entry in ClinVar:

ClinVar aggregate classification (germline): Pathogenic. Review status: criteria provided, multiple submitters, no conflicts (2 of 4 stars). 2 submissions from 2 submitters: Pathogenic (2). Last evaluated 2024-11-05.

Conditions:
RPE65-related disorder. Also called: RPE65-related condition; RPE65-related disorders. Identifiers: MedGen CN239301.
Leber congenital amaurosis (LCA). Also called: Leber's amaurosis. Identifiers: Orphanet 65, MedGen C0339527, MeSH D057130, MONDO:0018998.

gnomAD v4.1: 6 of 1,614,204 alleles (0.00037%); highest among the groups gnomAD compares: South Asian, 0.0066%; no homozygotes.

Submissions (2):

Women's Health and Genetics/Laboratory Corporation of America, LabCorp
Classification: Pathogenic for Leber congenital amaurosis. Last evaluated: 2024-11-05. Review status: criteria provided, single submitter. Criteria: LabCorp Variant Classification Summary - May 2015. Collection method: clinical testing. Allele origin: germline.
Comment: Variant summary: RPE65 c.179T>C (p.Leu60Pro) results in a non-conservative amino acid change in the encoded protein sequence. Five of five in-silico tools predict a damaging effect of the variant on protein function. The variant allele was found at a frequency of 4e-06 in 251454 control chromosomes. c.179T>C has been reported in the literature in multiple individuals affected with Leber Congenital Amaurosis (examples: Henderson_2007, Kabir_2013, Lin_2024). These data indicate that the variant is very likely to be associated with disease. The following publications have been ascertained in the context of this evaluation (PMID: 18055820, 23878505, 38219857).No submitters have cited clinical-significance assessments for this variant to ClinVar. Based on the evidence outlined above, the variant was classified as pathogenic.

Blueprint Genetics
Classification: Pathogenic for RPE65-related disorders. Last evaluated: 2019-09-26. Review status: criteria provided, single submitter. Criteria: ACMG Guidelines, 2015. Collection method: clinical testing. Allele origin: germline. Affected: yes. Observed: 1 variant allele.

Literature cited by the submitters: PubMed 38219857 (cited by Women's Health and Genetics/Laboratory Corporation of America, LabCorp); PubMed 18055820 (cited by Women's Health and Genetics/Laboratory Corporation of America, LabCorp); PubMed 23878505 (cited by Women's Health and Genetics/Laboratory Corporation of America, LabCorp).

NM_000329.3(RPE65):c.179T>C (p.Leu60Pro)

Gene: RPE65 (retinoid isomerohydrolase RPE65; minus strand). Cytogenetic location: 1p31.3.
Variant type: single nucleotide variant.
Coding change: c.179T>C on transcript NM_000329.3 (MANE Select); coding-DNA position 179, T replaced by C.
Protein change: p.Leu60Pro; replaces leucine 60 with proline.
Molecular consequence: missense variant. On other transcripts: 5 prime UTR variant (1), intron variant (1).
Genome position (GRCh38, 1-based): chr1:68,446,776, A>G on the plus strand (T>C on the coding strand, the complement: RPE65 is on the minus strand). VCF-style: chr1-68446776-A-G. GRCh37 (hg19) VCF-style: chr1-68912459-A-G.
Other names: c.179T>C, p.Leu60Pro (NM_001406853.1, NM_001406859.1, NM_001406860.1); c.-98T>C (NM_001406857.1); c.-32+1848T>C (NM_001406856.1); short protein forms L60P.
Identifiers: ClinVar variation 3629825 (VCV003629825.2).